The following is an entry in ClinVar:

NM_004260.4(RECQL4):c.586A>G (p.Ser196Gly)

Gene: RECQL4 (RecQ like helicase 4; minus strand). Cytogenetic location: 8q24.3.
Variant type: single nucleotide variant.
Coding change: c.586A>G on transcript NM_004260.4 (MANE Select); coding-DNA position 586, A replaced by G.
Protein change: p.Ser196Gly; replaces serine 196 with glycine.
Molecular consequence: missense variant.
Genome position (GRCh38, 1-based): chr8:144,516,533, T>C on the plus strand (A>G on the coding strand, the complement: RECQL4 is on the minus strand). VCF-style: chr8-144516533-T-C. GRCh37 (hg19) VCF-style: chr8-145741917-T-C.
Other names: c.586A>G, p.Ser196Gly (NM_001413017.1, NM_001413018.1, NM_001413019.1 and 4 more transcripts); c.-486A>G (NM_001413022.1, NM_001413023.1, NM_001413024.1 and 5 more transcripts); c.457A>G, p.Ser153Gly (NM_001413025.1); c.-548A>G (NM_001413027.1, NM_001413030.1, NM_001413031.1 and 2 more transcripts); c.-390A>G (NM_001413034.1); c.-755A>G (NM_001413043.1); short protein forms S153G, S196G.
Identifiers: ClinVar variation 1718042 (VCV001718042.5), dbSNP rs2538096016, ClinGen allele CA372690213.
Genomic context (GRCh38, chr8:144,516,533, plus strand): 5'-CCTCTGAGCCTAGATCAGGCCTGCAGGCTTTGGGGGCCCCCAGAAAATCTGGGACCTCAC[T>C]GTGACATCGCTGTAACCAGCCAGGATCTAGGGAGCCCAGCCGCTGGCTCAGGGATGCCTG-3'
Protein context (NP_004251.4, residues 186-206): LDPGWLQRCH[Ser196Gly]EVPDFLGAPK

ClinVar aggregate classification (germline): Uncertain significance (1 of 4 stars; one submission).

Conditions:
Baller-Gerold syndrome (BGS). Also called: CRANIOSYNOSTOSIS WITH RADIAL DEFECTS. Identifiers: Orphanet 1225, MedGen C0265308, MONDO:0009039, OMIM 218600.

Allele frequency attached by ClinVar (database versions not stated): gnomAD exomes below 0.00001.
gnomAD v4.1: 1 of 1,610,120 alleles (0.000062%); highest among the groups gnomAD compares: Non-Finnish European, 0.000085%; no homozygotes.

Submission:

Labcorp Genetics (formerly Invitae), Labcorp
Classification: Uncertain significance for Baller-Gerold syndrome. Last evaluated: 2022-08-26. Review status: criteria provided, single submitter. Criteria: Invitae Variant Classification Sherloc (09022015). Collection method: clinical testing. Allele origin: germline.
Comment: In summary, the available evidence is currently insufficient to determine the role of this variant in disease. Therefore, it has been classified as a Variant of Uncertain Significance. Algorithms developed to predict the effect of sequence changes on RNA splicing suggest that this variant may create or strengthen a splice site. This variant has not been reported in the literature in individuals affected with RECQL4-related conditions. This variant is not present in population databases (gnomAD no frequency). This sequence change replaces serine, which is neutral and polar, with glycine, which is neutral and non-polar, at codon 196 of the RECQL4 protein (p.Ser196Gly).